The following is an entry in ClinVar:

NM_012079.6(DGAT1):c.530_531del (p.Cys177fs)

Gene: DGAT1 (diacylglycerol O-acyltransferase 1; minus strand). Cytogenetic location: 8q24.3.
Variant type: Microsatellite.
Coding change: c.530_531del on transcript NM_012079.6 (MANE Select); coding-DNA positions 530 to 531, 2 bases deleted (GT; older notation c.530_531delGT).
Protein change: p.Cys177fs; shifts the reading frame from cysteine 177.
Molecular consequence: frameshift variant.
Genome position (GRCh38, 1-based): chr8:144,318,504-144,318,505, AC deleted on the plus strand (GT on the coding strand, the reverse complement: DGAT1 is on the minus strand); deleting any 2 consecutive bases within chr8:144,318,504-144,318,508 gives the same sequence; the c. name uses the placement nearest the transcript's 3' end. VCF-style (leftmost placement, unchanged base first): chr8-144318503-AAC-A. GRCh37 (hg19) VCF-style: chr8-145542166-AAC-A.
Other names: short protein forms C177fs.
Identifiers: ClinVar variation 1444253 (VCV001444253.7), dbSNP rs782181643, ClinGen allele CA4937005.
Genomic context (GRCh38, chr8:144,318,503, plus strand): 5'-GGTGGGATGGGGGCGCACCTGGAGTGATAGACTCAACCAGTAAGACCACAGCCGCTGGGA[AAC>A]ACAGAATGGTGGCCAGGTTGGCCACGTGCAGCAGCAGTCCCGCCTGCTCCGTCAGGGCAC-3'

ClinVar aggregate classification (germline): Pathogenic/Likely pathogenic. Review status: criteria provided, multiple submitters, no conflicts (2 of 4 stars). 2 submissions from 2 submitters: Pathogenic (1); Likely pathogenic (1). Last evaluated 2024-02-24.

Conditions:
DGAT1-related disorder. Also called: DGAT1-related condition.

Submissions (2):

Labcorp Genetics (formerly Invitae), Labcorp
Classification: Pathogenic. Last evaluated: 2024-02-24. Review status: criteria provided, single submitter. Criteria: Invitae Variant Classification Sherloc (09022015). Collection method: clinical testing. Allele origin: germline.
Comment: This sequence change creates a premature translational stop signal (p.Cys177Phefs*10) in the DGAT1 gene. It is expected to result in an absent or disrupted protein product. Loss-of-function variants in DGAT1 are known to be pathogenic (PMID: 29604290). This variant is present in population databases (rs782181643, gnomAD 0.006%). This variant has not been reported in the literature in individuals affected with DGAT1-related conditions. Algorithms developed to predict the effect of sequence changes on RNA splicing suggest that this variant may disrupt the consensus splice site. For these reasons, this variant has been classified as Pathogenic.

Blueprint Genetics
Classification: Likely pathogenic for DGAT1-related disorders. Last evaluated: 2023-10-30. Review status: criteria provided, single submitter. Criteria: ACMG Guidelines, 2015. Collection method: clinical testing. Allele origin: germline. Affected: yes. Observed: 5 variant alleles.

Literature cited by the submitters: PubMed 29604290 (cited by Labcorp Genetics (formerly Invitae), Labcorp).